The following is an entry in ClinVar:

ClinVar aggregate classification (germline): Uncertain significance (1 of 4 stars; one submission).

Conditions:
Emery-Dreifuss muscular dystrophy 5, autosomal dominant (EDMD5). Also called: EMERY-DREIFUSS MUSCULAR DYSTROPHY 5. Identifiers: Orphanet 261, MedGen C2751805, MONDO:0013072, OMIM 612999.

Allele frequency attached by ClinVar (database versions not stated): gnomAD exomes below 0.00001.
gnomAD v4.1: 2 of 1,613,646 alleles (0.00012%); highest among the groups gnomAD compares: African/African-American, 0.0027%; no homozygotes.

Submission:

Labcorp Genetics (formerly Invitae), Labcorp
Classification: Uncertain significance for Emery-Dreifuss muscular dystrophy 5, autosomal dominant. Last evaluated: 2019-09-16. Review status: criteria provided, single submitter. Criteria: Invitae Variant Classification Sherloc (09022015). Collection method: clinical testing. Allele origin: germline.
Comment: This sequence change replaces aspartic acid with histidine at codon 1478 of the SYNE2 protein (p.Asp1478His). The aspartic acid residue is moderately conserved and there is a moderate physicochemical difference between aspartic acid and histidine. This variant is not present in population databases (ExAC no frequency). This variant has not been reported in the literature in individuals with SYNE2-related conditions. Algorithms developed to predict the effect of missense changes on protein structure and function are either unavailable or do not agree on the potential impact of this missense change (SIFT: "Deleterious"; PolyPhen-2: "Probably Damaging"; Align-GVGD: "Class C0"). In summary, the available evidence is currently insufficient to determine the role of this variant in disease. Therefore, it has been classified as a Variant of Uncertain Significance.

NM_182914.3(SYNE2):c.4432G>C (p.Asp1478His)

Gene: SYNE2 (spectrin repeat containing nuclear envelope protein 2; plus strand). Cytogenetic location: 14q23.2.
Variant type: single nucleotide variant.
Coding change: c.4432G>C on transcript NM_182914.3 (MANE Select); coding-DNA position 4432, G replaced by C.
Protein change: p.Asp1478His; replaces aspartic acid 1478 with histidine.
Molecular consequence: missense variant.
Genome position (GRCh38, 1-based): chr14:64,007,077, G>C. VCF-style: chr14-64007077-G-C. GRCh37 (hg19) VCF-style: chr14-64473795-G-C.
Other names: c.4432G>C, p.Asp1478His (NM_015180.6); short protein forms D1478H.
Identifiers: ClinVar variation 962174 (VCV000962174.9), dbSNP rs1423801252, ClinGen allele CA389934919.